The following is an entry in ClinVar:

ClinVar aggregate classification (germline): Conflicting classifications of pathogenicity. Review status: criteria provided, conflicting classifications (1 of 4 stars). 5 submissions from 5 submitters: Pathogenic (2); Likely pathogenic (2); Uncertain significance (1). Last evaluated 2025-07-14.

Conditions:
Arrhythmogenic right ventricular dysplasia 11. Also called: Arrhythmogenic right ventricular dysplasia 11 with mild palmoplantar keratoderma and woolly hair; Arrhythmogenic Right Ventricular Dysplasia/Cardiomyopathy11; ARRHYTHMOGENIC RIGHT VENTRICULAR DYSPLASIA, FAMILIAL, 11. Identifiers: MedGen C1864850, MONDO:0012506, OMIM 610476.
DSC2-related disorders.
Familial isolated arrhythmogenic right ventricular dysplasia. Identifiers: Orphanet 217656, MedGen C4274968, MONDO:0016342.

Allele frequency attached by ClinVar (database versions not stated): gnomAD exomes below 0.00001; gnomAD 0.00001; TOPMed 0.00001.

Submissions (5):

GeneDx
Classification: Pathogenic. Last evaluated: 2025-07-14. Review status: criteria provided, single submitter. Criteria: GeneDx Variant Classification Process June 2021. Collection method: clinical testing. Allele origin: germline. Affected: yes.
Comment: Frameshift variant predicted to result in protein truncation or nonsense mediated decay in a gene for which loss of function is a known mechanism of disease; Not observed at significant frequency in large population cohorts (gnomAD); Has not been previously published as pathogenic or benign to our knowledge

Labcorp Genetics (formerly Invitae), Labcorp
Classification: Pathogenic for Arrhythmogenic right ventricular dysplasia 11. Last evaluated: 2024-10-10. Review status: criteria provided, single submitter. Criteria: Invitae Variant Classification Sherloc (09022015). Collection method: clinical testing. Allele origin: germline.
Comment: This sequence change creates a premature translational stop signal (p.Gly12Serfs*18) in the DSC2 gene. It is expected to result in an absent or disrupted protein product. Loss-of-function variants in DSC2 are known to be pathogenic (PMID: 23911551). This variant is not present in population databases (gnomAD no frequency). This variant has not been reported in the literature in individuals affected with DSC2-related conditions. ClinVar contains an entry for this variant (Variation ID: 503979). For these reasons, this variant has been classified as Pathogenic.

Blueprint Genetics
Classification: Likely pathogenic for DSC2-related disorders. Last evaluated: 2024-09-13. Review status: criteria provided, single submitter. Criteria: ACMG Guidelines, 2015. Collection method: clinical testing. Allele origin: germline. Affected: yes. Observed: 1 variant allele.

All of Us Research Program, National Institutes of Health
Classification: Uncertain significance for Familial isolated arrhythmogenic right ventricular dysplasia. Last evaluated: 2023-09-09. Review status: criteria provided, single submitter. Criteria: ACMG Guidelines, 2015. Collection method: clinical testing. Allele origin: germline. Inheritance: Autosomal dominant inheritance. Observed: 1 variant allele, 1 heterozygote.
Comment: This variant encodes a premature stop of translation that is predicted to result in loss of protein function through nonsense-mediated decay or protein truncation. However, loss of function is not an established mechanism of disease in arrhythmogenic cardiomyopathy (PMID: 23863954, 18957847, 19863551, 23911551). This variant is absent from or rare in large population databases, including the Genome Aggregation Database.

This study involves interpretation of variants in research participants for the purpose of population health screening. Participant phenotype was not available at the time of variant classification. Additional details can be found in publication PMID: 35346344, PMCID: PMC8962531

Fulgent Genetics
Classification: Likely pathogenic for Arrhythmogenic right ventricular dysplasia 11. Last evaluated: 2021-07-27. Review status: criteria provided, single submitter. Criteria: ACMG Guidelines, 2015. Collection method: clinical testing. Allele origin: unknown.

Literature cited by the submitters: PubMed 23911551 (cited by Labcorp Genetics (formerly Invitae), Labcorp and All of Us Research Program, National Institutes of Health); PubMed 18957847 (cited by All of Us Research Program, National Institutes of Health); PubMed 19863551 (cited by All of Us Research Program, National Institutes of Health); PubMed 23863954 (cited by All of Us Research Program, National Institutes of Health).

NM_024422.6(DSC2):c.34_35del (p.Gly12fs)

Genes: DSCAS (DSC1/DSC2 antisense RNA; plus strand), DSC2 (desmocollin 2; minus strand). Cytogenetic location: 18q12.1.
Variant type: Deletion.
Coding change: c.34_35del on transcript NM_024422.6 (MANE Select); coding-DNA positions 34 to 35, 2 bases deleted (GG; older notation c.34_35delGG).
Protein change: p.Gly12fs; shifts the reading frame from glycine 12.
Molecular consequence: frameshift variant.
Genome position (GRCh38, 1-based): chr18:31,101,937-31,101,938, CC deleted on the plus strand (GG on the coding strand, the reverse complement: DSC2 is on the minus strand). VCF-style (leftmost placement, unchanged base first): chr18-31101936-TCC-T. GRCh37 (hg19) VCF-style: chr18-28681899-TCC-T.
Other names: c.34_35del, p.Gly12fs (NM_004949.5); c.34_35del (NM_024422.4, NM_024422.3); short protein forms G12fs.
Identifiers: ClinVar variation 503979 (VCV000503979.14), dbSNP rs1395367133, ClinGen allele CA658799018.
Genomic context (GRCh38, chr18:31,101,936, plus strand): 5'-CGGAGCGGTGGCCGCGGCTACACTCACCGCGAGGGTCAGCAGGAGCAGCCGGCAGAGGGC[TCC>T]GTTCCAGGAGCCGGAGGGGCGGGCTGCCTCCATGGAGAGGGCTCGGGGCAGGTCGCGGGC-3'